The following is an entry in ClinVar:

NM_001127222.2(CACNA1A):c.4096T>A (p.Phe1366Ile)

Genes: CACNA1A (calcium voltage-gated channel subunit alpha1 A; minus strand), LOC126862864 (MED14-independent group 3 enhancer GRCh37_chr19:13371552-13372751; plus strand). Cytogenetic location: 19p13.13.
Variant type: single nucleotide variant.
Coding change: c.4096T>A on transcript NM_001127222.2 (MANE Select); coding-DNA position 4096, T replaced by A.
Protein change: p.Phe1366Ile; replaces phenylalanine 1366 with isoleucine.
Molecular consequence: missense variant.
Genome position (GRCh38, 1-based): chr19:13,261,604, A>T on the plus strand (T>A on the coding strand, the complement: CACNA1A is on the minus strand). VCF-style: chr19-13261604-A-T. GRCh37 (hg19) VCF-style: chr19-13372418-A-T.
Other names: c.4108T>A, p.Phe1370Ile (NM_000068.4, NM_023035.3); c.4099T>A, p.Phe1367Ile (NM_001127221.2, NM_001174080.2); short protein forms F1367I, F1366I, F1370I.
Identifiers: ClinVar variation 379829 (VCV000379829.2), dbSNP rs1057520749, ClinGen allele CA16608915.

ClinVar aggregate classification (germline): Pathogenic (1 of 4 stars; one submission).

Submission:

GeneDx
Classification: Pathogenic. Last evaluated: 2015-06-04. Review status: criteria provided, single submitter. Criteria: GeneDx Variant Classification (06012015). Collection method: clinical testing. Allele origin: germline. Affected: yes.
Comment: The F1367I variant in the CACNA1A gene has not been reported previously as a pathogenic variant nor as a benign polymorphism, to our knowledge. The F1367I substitution was not observed in approximately 6200 individuals of European and African American ancestry in the NHLBI Exome Sequencing Project, indicating it is not a common benign variant in these populations. The F1367I variant is a conservative amino acid substitution, which occurs at a position that is conserved across species. In silico analysis predicts this variant is probably damaging to the protein structure/function. Missense variants in the same (F1367L) and nearby residues (R1359W and C1369Y) have been reported in the Human Gene Mutation Database in association with CACNA1A-related disorders (Stenson et al., 2014), supporting the functional importance of this region of the protein. We interpret F1367I as a pathogenic variant.